The following is an entry in ClinVar:

ClinVar aggregate classification (germline): Likely pathogenic (1 of 4 stars; one submission).

Conditions:
Galactosylceramide beta-galactosidase deficiency. Also called: Krabbe Disease; Leukodystrophy, Globoid Cell; GALACTOCEREBROSIDASE DEFICIENCY; GALC DEFICIENCY; GLOBOID CELL LEUKOENCEPHALOPATHY. Identifiers: Orphanet 487, MedGen C0023521, MONDO:0009499, OMIM 245200.

Submission:

Labcorp Genetics (formerly Invitae), Labcorp
Classification: Likely pathogenic for Galactosylceramide beta-galactosidase deficiency. Last evaluated: 2021-09-24. Review status: criteria provided, single submitter. Criteria: Invitae Variant Classification Sherloc (09022015). Collection method: clinical testing. Allele origin: germline.
Comment: This missense change has been observed in individual(s) with a positive newborn screening result for GALC-related disease (PMID: 27238910). This variant is not present in population databases (ExAC no frequency). This sequence change replaces threonine with alanine at codon 668 of the GALC protein (p.Thr668Ala). The threonine residue is highly conserved and there is a small physicochemical difference between threonine and alanine. In summary, the currently available evidence indicates that the variant is pathogenic, but additional data are needed to prove that conclusively. Therefore, this variant has been classified as Likely Pathogenic. This variant disrupts the p.Thr668 amino acid residue in GALC. Other variant(s) that disrupt this residue have been determined to be pathogenic (PMID: 24252386, 29615819). This suggests that this residue is clinically significant, and that variants that disrupt this residue are likely to be disease-causing. Advanced modeling of protein sequence and biophysical properties (such as structural, functional, and spatial information, amino acid conservation, physicochemical variation, residue mobility, and thermodynamic stability) performed at Invitae indicates that this missense variant is expected to disrupt GALC protein function. This variant is also known as p.T645A.

Literature cited by the submitters: PubMed 27238910; PubMed 24252386; PubMed 29615819.

NM_000153.4(GALC):c.2002A>G (p.Thr668Ala)

Gene: GALC (galactosylceramidase; minus strand). Cytogenetic location: 14q31.3.
Variant type: single nucleotide variant.
Coding change: c.2002A>G on transcript NM_000153.4 (MANE Select); coding-DNA position 2002, A replaced by G.
Protein change: p.Thr668Ala; replaces threonine 668 with alanine.
Molecular consequence: missense variant.
Genome position (GRCh38, 1-based): chr14:87,934,788, T>C on the plus strand (A>G on the coding strand, the complement: GALC is on the minus strand). VCF-style: chr14-87934788-T-C. GRCh37 (hg19) VCF-style: chr14-88401132-T-C.
Other names: c.1933A>G, p.Thr645Ala (NM_001201401.2); c.1924A>G, p.Thr642Ala (NM_001201402.2); short protein forms T645A, T642A, T668A.
Identifiers: ClinVar variation 1480989 (VCV001480989.6), dbSNP rs1884498480, ClinGen allele CA390745189.